The following is an entry in ClinVar:

NM_001378120.1(MBD5):c.1241C>G (p.Pro414Arg)

Gene: MBD5 (methyl-CpG binding domain protein 5; plus strand). Cytogenetic location: 2q23.1.
Variant type: single nucleotide variant.
Coding change: c.1241C>G on transcript NM_001378120.1 (MANE Select); coding-DNA position 1241, C replaced by G.
Protein change: p.Pro414Arg; replaces proline 414 with arginine.
Molecular consequence: missense variant.
Genome position (GRCh38, 1-based): chr2:148,469,184, C>G. VCF-style: chr2-148469184-C-G. GRCh37 (hg19) VCF-style: chr2-149226753-C-G.
Other names: c.1241C>G, p.Pro414Arg (NM_001438854.1, NM_001438855.1, NM_001438856.1 and 7 more transcripts); short protein forms P414R.
Identifiers: ClinVar variation 4742492 (VCV004742492.1).

ClinVar aggregate classification (germline): Uncertain significance (1 of 4 stars; one submission).

Conditions:
Intellectual developmental disorder, autosomal dominant 1. Also called: MBD5 Haploinsufficiency; Intellectual disability, autosomal dominant 1. Identifiers: Orphanet 228402, MedGen C1969562, MONDO:0007974, OMIM 156200.

gnomAD v4.1: 1 of 1,614,042 alleles (0.000062%); highest among the groups gnomAD compares: Non-Finnish European, 0.000085%; no homozygotes.

Submission:

Labcorp Genetics (formerly Invitae), Labcorp
Classification: Uncertain significance for Intellectual developmental disorder, autosomal dominant 1. Last evaluated: 2025-11-18. Review status: criteria provided, single submitter. Criteria: Invitae Variant Classification Sherloc (09022015). Collection method: clinical testing. Allele origin: germline.
Comment: This sequence change replaces proline, which is neutral and non-polar, with arginine, which is basic and polar, at codon 414 of the MBD5 protein (p.Pro414Arg). This variant is not present in population databases (gnomAD no frequency). This variant has not been reported in the literature in individuals affected with MBD5-related conditions. Invitae Evidence Modeling of protein sequence and biophysical properties (such as structural, functional, and spatial information, amino acid conservation, physicochemical variation, residue mobility, and thermodynamic stability) has been performed for this missense variant. However, the output from this modeling did not meet the statistical confidence thresholds required to predict the impact of this variant on MBD5 protein function. In summary, the available evidence is currently insufficient to determine the role of this variant in disease. Therefore, it has been classified as a Variant of Uncertain Significance.